The following is an entry in ClinVar:

ClinVar aggregate classification (germline): Uncertain significance (1 of 4 stars; one submission).

Conditions:
TMEM67-related disorder. Also called: TMEM67-related disorders; TMEM67-related condition. Identifiers: MedGen CN239423.

gnomAD v4.1: 1 of 1,614,066 alleles (0.000062%); highest among the groups gnomAD compares: Non-Finnish European, 0.000085%; no homozygotes.

Submission:

PreventionGenetics, part of Exact Sciences
Classification: Uncertain significance for TMEM67-related condition. Last evaluated: 2026-03-30. Review status: criteria provided, single submitter. Criteria: ACMG Guidelines, 2015. Collection method: clinical testing. Allele origin: germline.
Comment: The TMEM67 c.1484T>C variant is predicted to result in the amino acid substitution p.Ile495Thr. To our knowledge, this variant has not been reported in the literature or in a large population database (gnomAD), indicating this variant is rare. At this time, the clinical significance of this variant is uncertain due to the absence of conclusive functional and genetic evidence.

NM_153704.6(TMEM67):c.1484T>C (p.Ile495Thr)

Gene: TMEM67 (transmembrane protein 67; plus strand). Cytogenetic location: 8q22.1.
Variant type: single nucleotide variant.
Coding change: c.1484T>C on transcript NM_153704.6 (MANE Select); coding-DNA position 1484, T replaced by C.
Protein change: p.Ile495Thr; replaces isoleucine 495 with threonine.
Molecular consequence: missense variant. On other transcripts: non-coding transcript variant (1).
Genome position (GRCh38, 1-based): chr8:93,787,915, T>C. VCF-style: chr8-93787915-T-C. GRCh37 (hg19) VCF-style: chr8-94800143-T-C.
Other names: c.1241T>C, p.Ile414Thr (NM_001142301.1); short protein forms I495T, I414T.
Identifiers: ClinVar variation 4991608 (VCV004991608.1).